The following is an entry in ClinVar:

NM_001277115.2(DNAH11):c.13277_13298dup (p.Met4433fs)

Gene: DNAH11 (dynein axonemal heavy chain 11; plus strand). Cytogenetic location: 7p15.3.
Variant type: Duplication.
Coding change: c.13277_13298dup on transcript NM_001277115.2 (MANE Select); coding-DNA positions 13277 to 13298, 22 bases duplicated (CATACCTCCACGGACTCTTCAT).
Protein change: p.Met4433fs; shifts the reading frame from methionine 4433.
Molecular consequence: frameshift variant.
Genome position (GRCh38, 1-based): chr7:21,900,094-21,900,115, CATACCTCCACGGACTCTTCAT duplicated. VCF-style (leftmost placement, unchanged base first): chr7-21900093-G-GCATACCTCCACGGACTCTTCAT. GRCh37 (hg19) VCF-style: chr7-21939711-G-GCATACCTCCACGGACTCTTCAT.
Other names: c.13298_13319dup, p.Met4440Ilefs (NM_003777.3); short protein forms M4433fs.
Identifiers: ClinVar variation 2821503 (VCV002821503.3), dbSNP rs2534154891, ClinGen allele CA2681993406.

ClinVar aggregate classification (germline): Pathogenic (1 of 4 stars; one submission).

Conditions:
Primary ciliary dyskinesia. Also called: Ciliary dyskinesia. Identifiers: Orphanet 244, MedGen C0008780, MONDO:0016575, HP:0012265.

Allele frequency attached by ClinVar (database versions not stated): gnomAD exomes below 0.00001.

Submission:

Labcorp Genetics (formerly Invitae), Labcorp
Classification: Pathogenic for Primary ciliary dyskinesia. Last evaluated: 2022-12-16. Review status: criteria provided, single submitter. Criteria: Invitae Variant Classification Sherloc (09022015). Collection method: clinical testing. Allele origin: germline.
Comment: This sequence change creates a premature translational stop signal (p.Met4433Ilefs*22) in the DNAH11 gene. While this is not anticipated to result in nonsense mediated decay, it is expected to disrupt the last 84 amino acid(s) of the DNAH11 protein. This variant is not present in population databases (gnomAD no frequency). This variant has not been reported in the literature in individuals affected with DNAH11-related conditions. This variant disrupts a region of the DNAH11 protein in which other variant(s) (p.Ser4498Argfs*15) have been determined to be pathogenic (Invitae). This suggests that this is a clinically significant region of the protein, and that variants that disrupt it are likely to be disease-causing. For these reasons, this variant has been classified as Pathogenic.